The following is an entry in ClinVar:

NM_001369.3(DNAH5):c.6464T>A (p.Leu2155Gln)

Gene: DNAH5 (dynein axonemal heavy chain 5; minus strand). Cytogenetic location: 5p15.2.
Variant type: single nucleotide variant.
Coding change: c.6464T>A on transcript NM_001369.3 (MANE Select); coding-DNA position 6464, T replaced by A.
Protein change: p.Leu2155Gln; replaces leucine 2155 with glutamine.
Molecular consequence: missense variant.
Genome position (GRCh38, 1-based): chr5:13,824,314, A>T on the plus strand (T>A on the coding strand, the complement: DNAH5 is on the minus strand). VCF-style: chr5-13824314-A-T. GRCh37 (hg19) VCF-style: chr5-13824423-A-T.
Other names: short protein forms L2155Q.
Identifiers: ClinVar variation 5035464 (VCV005035464.1).
Genomic context (GRCh38, chr5:13,824,314, plus strand): 5'-TCCATTGGATTGGCTCTTTTTGCTGCTCCCAAGGTCCGAAGAACTGACAGAATGTTACGC[A>T]GGCCAAAGTCATAATGAACCTAGAGAATGTGAGATACATTGGGCTTATTTTCAACATTAA-3'
Protein context (NP_001360.1, residues 2145-2165): LSKQVHYDFG[Leu2155Gln]RNILSVLRTL

ClinVar aggregate classification (germline): Uncertain significance (1 of 4 stars; one submission).

Conditions:
Primary ciliary dyskinesia. Also called: Ciliary dyskinesia. Identifiers: Orphanet 244, MedGen C0008780, MONDO:0016575, HP:0012265.

gnomAD v4.1: 1 of 1,614,122 alleles (0.000062%); no homozygotes.

Submission:

Ambry Genetics
Classification: Uncertain significance for Primary ciliary dyskinesia. Last evaluated: 2026-08-10. Review status: criteria provided, single submitter. Criteria: Ambry Variant Classification Scheme 2023. Collection method: clinical testing. Allele origin: germline.
Comment: The p.L2155Q variant (also known as c.6464T>A), located in coding exon 39 of the DNAH5 gene, results from a T to A substitution at nucleotide position 6464. The leucine at codon 2155 is replaced by glutamine, an amino acid with dissimilar properties. This amino acid position is conserved. In addition, this alteration is predicted to be deleterious by in silico analysis. Based on the available evidence, the clinical significance of this variant remains unclear.